The following is an entry in ClinVar:

ClinVar aggregate classification (germline): Uncertain significance (1 of 4 stars; one submission).

Conditions:
Hereditary cancer-predisposing syndrome. Also called: Hereditary Cancer Syndrome; Tumor predisposition; Hereditary neoplastic syndrome; Neoplastic Syndromes, Hereditary. Identifiers: Orphanet 140162, MedGen C0027672, MeSH D009386, MONDO:0015356.

Submission:

Ambry Genetics
Classification: Uncertain significance for Hereditary cancer-predisposing syndrome. Last evaluated: 2024-07-09. Review status: criteria provided, single submitter. Criteria: Ambry Variant Classification Scheme 2023. Collection method: clinical testing. Allele origin: germline.
Comment: The c.155_156delGCinsCT variant (also known as p.R52P), located in coding exon 1 of the MEN1 gene, results from an in-frame deletion of GC and insertion of CT at nucleotide positions 155 to 156. This results in the substitution of the arginine residue for a proline residue at codon 52, an amino acid with dissimilar properties. This amino acid position is highly conserved in available vertebrate species. In addition, the in silico prediction for this alteration is inconclusive (Choi Y et al. PLoS ONE. 2012; 7(10):e46688). Based on the available evidence, the clinical significance of this variant remains unclear.

NM_001370259.2(MEN1):c.155_156delinsCT (p.Arg52Pro)

Gene: MEN1 (menin 1; minus strand). Cytogenetic location: 11q13.1.
Variant type: Indel.
Coding change: c.155_156delinsCT on transcript NM_001370259.2 (MANE Select); coding-DNA positions 155 to 156, GC replaced by CT.
Protein change: p.Arg52Pro; replaces arginine 52 with proline.
Molecular consequence: missense variant. On other transcripts: non-coding transcript variant (4).
Genome position (GRCh38, 1-based): chr11:64,809,954-64,809,955, GC replaced by AG on the plus strand (GC replaced by CT on the coding strand, the reverse complement: MEN1 is on the minus strand). VCF-style: chr11-64809954-GC-AG. GRCh37 (hg19) VCF-style: chr11-64577426-GC-AG.
Other names: c.155_156delinsCT, p.Arg52Pro (NM_000244.4, NM_001370251.2, NM_001370260.2 and 20 more transcripts); short protein forms R52P.
Identifiers: ClinVar variation 3394943 (VCV003394943.1).